The following is an entry in ClinVar:

ClinVar aggregate classification (germline): Uncertain significance. Review status: criteria provided, multiple submitters, no conflicts (2 of 4 stars). 2 submissions from 2 submitters: Uncertain significance (2). Last evaluated 2025-12-01.

Conditions:
Hereditary cancer-predisposing syndrome. Also called: Hereditary Cancer Syndrome; Hereditary neoplastic syndrome; Neoplastic Syndromes, Hereditary; Tumor predisposition. Identifiers: Orphanet 140162, MedGen C0027672, MeSH D009386, MONDO:0015356.

Allele frequency attached by ClinVar (database versions not stated): gnomAD exomes below 0.00001; TOPMed below 0.00001; ExAC 0.00001.
gnomAD v4.1: 3 of 1,614,138 alleles (0.00019%); highest among the groups gnomAD compares: Non-Finnish European, 0.00025%; no homozygotes.

Submissions (2):

Labcorp Genetics (formerly Invitae), Labcorp
Classification: Uncertain significance. Last evaluated: 2025-12-01. Review status: criteria provided, single submitter. Criteria: Invitae Variant Classification Sherloc (09022015). Collection method: clinical testing. Allele origin: germline.
Comment: This sequence change replaces lysine, which is basic and polar, with glutamic acid, which is acidic and polar, at codon 1232 of the POLE protein (p.Lys1232Glu). This variant is present in population databases (rs748763589, gnomAD 0.0009%). This variant has not been reported in the literature in individuals affected with POLE-related conditions. ClinVar contains an entry for this variant (Variation ID: 405892). Invitae Evidence Modeling of protein sequence and biophysical properties (such as structural, functional, and spatial information, amino acid conservation, physicochemical variation, residue mobility, and thermodynamic stability) indicates that this missense variant is not expected to disrupt POLE protein function with a negative predictive value of 80%. In summary, the available evidence is currently insufficient to determine the role of this variant in disease. Therefore, it has been classified as a Variant of Uncertain Significance.

Ambry Genetics
Classification: Uncertain significance for Hereditary cancer-predisposing syndrome. Last evaluated: 2025-02-25. Review status: criteria provided, single submitter. Criteria: Ambry Variant Classification Scheme 2023. Collection method: clinical testing. Allele origin: germline.
Comment: The p.K1232E variant (also known as c.3694A>G), located in coding exon 30 of the POLE gene, results from an A to G substitution at nucleotide position 3694. The lysine at codon 1232 is replaced by glutamic acid, an amino acid with similar properties. This amino acid position is conserved. In addition, the in silico prediction for this alteration is inconclusive. Based on the available evidence, the clinical significance of this variant remains unclear.

NM_006231.4(POLE):c.3694A>G (p.Lys1232Glu)

Gene: POLE (DNA polymerase epsilon, catalytic subunit; minus strand). Cytogenetic location: 12q24.33.
Variant type: single nucleotide variant.
Coding change: c.3694A>G on transcript NM_006231.4 (MANE Select); coding-DNA position 3694, A replaced by G.
Protein change: p.Lys1232Glu; replaces lysine 1232 with glutamic acid.
Molecular consequence: missense variant.
Genome position (GRCh38, 1-based): chr12:132,649,778, T>C on the plus strand (A>G on the coding strand, the complement: POLE is on the minus strand). VCF-style: chr12-132649778-T-C. GRCh37 (hg19) VCF-style: chr12-133226364-T-C.
Other names: short protein forms K1232E.
Identifiers: ClinVar variation 405892 (VCV000405892.13), dbSNP rs748763589, ClinGen allele CA6893139.